The following is an entry in ClinVar:

NM_015158.5(KANK1):c.3445G>C (p.Asp1149His)

Genes: KANK1 (KN motif and ankyrin repeat domains 1; plus strand), LOC126860554 (MED14-independent group 3 enhancer GRCh37_chr9:737889-739088; plus strand). Cytogenetic location: 9p24.3.
Variant type: single nucleotide variant.
Coding change: c.3445G>C on transcript NM_015158.5 (MANE Select); coding-DNA position 3445, G replaced by C.
Protein change: p.Asp1149His; replaces aspartic acid 1149 with histidine.
Molecular consequence: missense variant. On other transcripts: non-coding transcript variant (1).
Genome position (GRCh38, 1-based): chr9:738,396, G>C. VCF-style: chr9-738396-G-C. GRCh37 (hg19) VCF-style: chr9-738396-G-C.
Other names: c.3445G>C, p.Asp1149His (NM_001256876.3, NM_001256877.3, NM_001354334.2); c.3205G>C, p.Asp1069His (NM_001354331.2); c.3391G>C, p.Asp1131His (NM_001354332.2); c.2971G>C, p.Asp991His (NM_001354333.2, NM_001354335.2, NM_001354337.2 and 2 more transcripts); c.2677G>C, p.Asp893His (NM_001354336.2); c.2917G>C, p.Asp973His (NM_001354338.2, NM_001354340.2, NM_001354344.2); c.2731G>C, p.Asp911His (NM_001354339.2, NM_001354342.2, NM_001354343.2); c.3445G>C (NM_015158.2); short protein forms D1069H, D1149H, D973H, D911H, D893H, D991H, D1131H.
Identifiers: ClinVar variation 2711652 (VCV002711652.4), dbSNP rs551729799, ClinGen allele CA4960960.

ClinVar aggregate classification (germline): Conflicting classifications of pathogenicity. Review status: criteria provided, conflicting classifications (1 of 4 stars). 2 submissions from 2 submitters: Uncertain significance (1); Likely benign (1). Last evaluated 2025-01-07.

Allele frequency attached by ClinVar (database versions not stated): TOPMed 0.00015; 1000 Genomes Project 30x 0.00016; 1000 Genomes Project 0.00020.
gnomAD v4.1: 34 of 1,614,146 alleles (0.0021%); highest among the groups gnomAD compares: African/African-American, 0.043%; no homozygotes.

Submissions (2):

Ambry Genetics
Classification: Likely benign. Last evaluated: 2025-01-07. Review status: criteria provided, single submitter. Criteria: Ambry Variant Classification Scheme 2023. Collection method: clinical testing. Allele origin: germline.

Labcorp Genetics (formerly Invitae), Labcorp
Classification: Uncertain significance. Last evaluated: 2023-01-19. Review status: criteria provided, single submitter. Criteria: Invitae Variant Classification Sherloc (09022015). Collection method: clinical testing. Allele origin: germline.
Comment: This variant has not been reported in the literature in individuals affected with KANK1-related conditions. In summary, the available evidence is currently insufficient to determine the role of this variant in disease. Therefore, it has been classified as a Variant of Uncertain Significance. Advanced modeling of protein sequence and biophysical properties (such as structural, functional, and spatial information, amino acid conservation, physicochemical variation, residue mobility, and thermodynamic stability) performed at Invitae indicates that this missense variant is not expected to disrupt KANK1 protein function. This variant is present in population databases (rs551729799, gnomAD 0.06%), and has an allele count higher than expected for a pathogenic variant. This sequence change replaces aspartic acid, which is acidic and polar, with histidine, which is basic and polar, at codon 1149 of the KANK1 protein (p.Asp1149His).